The following is an entry in ClinVar:

NM_001148.6(ANK2):c.946G>C (p.Glu316Gln)

Gene: ANK2 (ankyrin 2; plus strand). Cytogenetic location: 4q26.
Variant type: single nucleotide variant.
Coding change: c.946G>C on transcript NM_001148.6 (MANE Select); coding-DNA position 946, G replaced by C.
Protein change: p.Glu316Gln; replaces glutamic acid 316 with glutamine.
Molecular consequence: missense variant.
Genome position (GRCh38, 1-based): chr4:113,249,818, G>C. VCF-style: chr4-113249818-G-C. GRCh37 (hg19) VCF-style: chr4-114170974-G-C.
Other names: c.883G>C, p.Glu295Gln (NM_001127493.3, NM_001354253.2, NM_001354254.2 and 14 more transcripts); c.946G>C, p.Glu316Gln (NM_001354225.2, NM_001354228.2, NM_001354232.2 and 9 more transcripts); c.991G>C, p.Glu331Gln (NM_001354230.2, NM_001354231.2, NM_001354237.2 and 5 more transcripts); c.859G>C, p.Glu287Gln (NM_001354260.2, NM_001354274.2, NM_001354276.2 and 16 more transcripts); c.904G>C, p.Glu302Gln (NM_001354261.2, NM_001386147.1, NM_001386160.1); c.997G>C, p.Glu333Gln (NM_001386174.1); c.973G>C, p.Glu325Gln (NM_001386175.1); c.934G>C, p.Glu312Gln (NM_001386186.2, NM_001354269.3, NM_001386148.2); and 1 more; short protein forms E325Q, E331Q, E333Q, E302Q, E295Q, E304Q, E312Q, E316Q.
Identifiers: ClinVar variation 2058039 (VCV002058039.4), dbSNP rs2153601675, ClinGen allele CA357922852.
Genomic context (GRCh38, chr4:113,249,818, plus strand): 5'-TGGCAGGATGGGTTGACACCACTTCACTGTGCTGCACGAAGTGGGCATGACCAAGTGGTG[G>C]AACTTCTGTTGGAACGGGGTGCCCCCTTGCTGGCAAGGACTAAGGTGAGTCATTATGAGT-3'
Protein context (NP_001139.3, residues 306-326): AARSGHDQVV[Glu316Gln]LLLERGAPLL

ClinVar aggregate classification (germline): Uncertain significance (1 of 4 stars; one submission).

Conditions:
Long QT syndrome (LQTS). Identifiers: MedGen C0023976, MeSH D008133, MONDO:0002442. Disease mechanism: loss of function. Inheritance: Various modes of inheritance.

Submission:

Labcorp Genetics (formerly Invitae), Labcorp
Classification: Uncertain significance for Long QT syndrome. Last evaluated: 2024-05-29. Review status: criteria provided, single submitter. Criteria: Invitae Variant Classification Sherloc (09022015). Collection method: clinical testing. Allele origin: germline.
Comment: This sequence change replaces glutamic acid, which is acidic and polar, with glutamine, which is neutral and polar, at codon 316 of the ANK2 protein (p.Glu316Gln). This variant is not present in population databases (gnomAD no frequency). This variant has not been reported in the literature in individuals affected with ANK2-related conditions. ClinVar contains an entry for this variant (Variation ID: 2058039). Advanced modeling of protein sequence and biophysical properties (such as structural, functional, and spatial information, amino acid conservation, physicochemical variation, residue mobility, and thermodynamic stability) performed at Invitae indicates that this missense variant is not expected to disrupt ANK2 protein function with a negative predictive value of 80%. In summary, the available evidence is currently insufficient to determine the role of this variant in disease. Therefore, it has been classified as a Variant of Uncertain Significance.